The following is an entry in ClinVar:

ClinVar aggregate classification (germline): Likely pathogenic (1 of 4 stars; one submission).

Conditions:
Eichsfeld type congenital muscular dystrophy (CMYO3). Also called: SELENON-related myopathy; Congenital myopathy 3 with rigid spine; MYOPATHY, SEPN1-RELATED; Rigid spine muscular dystrophy 1. Identifiers: MedGen C0410180, MONDO:0100100, OMIM 602771.

Submission:

Juno Genomics, Hangzhou Juno Genomics, Inc
Classification: Likely pathogenic for Eichsfeld type congenital muscular dystrophy. Review status: criteria provided, single submitter. Criteria: ACMG Guidelines, 2015. Collection method: clinical testing. Allele origin: germline.
Comment: Null variant in a gene where loss of function (LOF) is a known mechanism of disease.;Absent from controls (or at extremely low frequency if recessive) in Genome Aggregation Database.

NM_206926.2(SELENON):c.805dup (p.Asp269fs)

Gene: SELENON (selenoprotein N; plus strand). Cytogenetic location: 1p36.11.
Variant type: Duplication.
Coding change: c.805dup on transcript NM_206926.2 (MANE Select); coding-DNA position 805, one base duplicated (G; older notation c.805dupG).
Protein change: p.Asp269fs; shifts the reading frame from aspartic acid 269.
Molecular consequence: frameshift variant.
Genome position (GRCh38, 1-based): chr1:25,809,717, G duplicated. VCF-style (leftmost placement, unchanged base first): chr1-25809716-C-CG. GRCh37 (hg19) VCF-style: chr1-26136207-C-CG.
Other names: c.907dup, p.Asp303fs (NM_020451.3); short protein forms D269fs, D303fs.
Identifiers: ClinVar variation 5038009 (VCV005038009.2).